The following is an entry in ClinVar:

NM_000088.4(COL1A1):c.471+44T>C

Gene: COL1A1 (collagen type I alpha 1 chain; minus strand). Cytogenetic location: 17q21.33.
Variant type: single nucleotide variant.
Coding change: c.471+44T>C on transcript NM_000088.4 (MANE Select); 44 bases into the intron after coding-DNA position 471, T replaced by C.
Molecular consequence: intron variant.
Genome position (GRCh38, 1-based): chr17:50,199,182, A>G on the plus strand (T>C on the coding strand, the complement: COL1A1 is on the minus strand). VCF-style: chr17-50199182-A-G. GRCh37 (hg19) VCF-style: chr17-48276543-A-G.
Identifiers: ClinVar variation 680369 (VCV000680369.2), dbSNP rs189542584, ClinGen allele CA8645695.
Genomic context (GRCh38, chr17:50,199,182, plus strand): 5'-CTTTTCTGTAAGTTTGAAATTATTTCAAAGTATAAAATTATGTCATCTGCCAAAAAACAA[A>G]AACAAAACAGGGGAGAGTGGACACACAAGGCCTCTCCACTTACTCCTCCGAGGCCAGGGG-3'

ClinVar aggregate classification (germline): Likely benign. Review status: criteria provided, multiple submitters, no conflicts (2 of 4 stars). 2 submissions from 2 submitters: Likely benign (2). Last evaluated 2018-06-14.

Allele frequency attached by ClinVar (database versions not stated): gnomAD exomes 0.00042 and 0.00173; gnomAD 0.00481 and 0.00498; TOPMed 0.00515; ExAC 0.00649; 1000 Genomes Project 0.00799; 1000 Genomes Project 30x 0.00828.
gnomAD v4.1: 1,298 of 1,430,320 alleles (0.091%); highest among the groups gnomAD compares: African/African-American, 1.7%; 13 homozygotes.

Submissions (2):

GeneDx
Classification: Likely benign. Last evaluated: 2018-06-14. Review status: criteria provided, single submitter. Criteria: GeneDx Variant Classification (06012015). Collection method: clinical testing. Allele origin: germline. Affected: yes.
Comment: This variant is considered likely benign or benign based on one or more of the following criteria: it is a conservative change, it occurs at a poorly conserved position in the protein, it is predicted to be benign by multiple in silico algorithms, and/or has population frequency not consistent with disease.

Breakthrough Genomics
Classification: Likely benign. Review status: criteria provided, single submitter. Criteria: ACMG Guidelines, 2015. Collection method: not provided. Allele origin: germline. Inheritance: Autosomal dominant inheritance. Affected: yes.